The following is an entry in ClinVar:

ClinVar aggregate classification (germline): Uncertain significance. Review status: criteria provided, multiple submitters, no conflicts (2 of 4 stars). 4 submissions from 4 submitters: Uncertain significance (3). 1 of the submissions does not count toward it. Last evaluated 2023-04-11.

Conditions:
Inborn genetic diseases. Identifiers: MedGen C0950123, MeSH D030342.
Hereditary insensitivity to pain with anhidrosis (CIPA). Also called: INSENSITIVITY TO PAIN, CONGENITAL, WITH ANHIDROSIS; FAMILIAL DYSAUTONOMIA, TYPE II; NEUROPATHY, CONGENITAL SENSORY, WITH ANHIDROSIS; hereditary sensory and autonomic neuropathy type 4; NTRK1 Congenital Insensitivity to Pain with Anhidrosis; HSAN Type IV. Identifiers: Orphanet 642, MedGen C0020074, MONDO:0009746, OMIM 256800.

Allele frequency attached by ClinVar (database versions not stated): gnomAD 0.00003 and 0.00004; gnomAD exomes 0.00004; TOPMed 0.00004; ExAC 0.00006.
gnomAD v4.1: 69 of 1,613,122 alleles (0.0043%); highest among the groups gnomAD compares: South Asian, 0.018%; 1 homozygote.

Submissions (4):

Genome-Nilou Lab
Classification: Uncertain significance for Hereditary insensitivity to pain with anhidrosis. Last evaluated: 2023-04-11. Review status: criteria provided, single submitter. Criteria: ACMG Guidelines, 2015. Collection method: clinical testing. Allele origin: germline. Affected: no.

Labcorp Genetics (formerly Invitae), Labcorp
Classification: Uncertain significance for Hereditary insensitivity to pain with anhidrosis. Last evaluated: 2021-09-26. Review status: criteria provided, single submitter. Criteria: Invitae Variant Classification Sherloc (09022015). Collection method: clinical testing. Allele origin: germline.
Comment: This sequence change replaces arginine with histidine at codon 119 of the NTRK1 protein (p.Arg119His). The arginine residue is weakly conserved and there is a small physicochemical difference between arginine and histidine. This variant is present in population databases (rs778566154, ExAC 0.03%). This variant has not been reported in the literature in individuals affected with NTRK1-related conditions. Algorithms developed to predict the effect of missense changes on protein structure and function output the following: SIFT: "Tolerated"; PolyPhen-2: "Benign"; Align-GVGD: "Class C0". The histidine amino acid residue is found in multiple mammalian species, which suggests that this missense change does not adversely affect protein function. In summary, the available evidence is currently insufficient to determine the role of this variant in disease. Therefore, it has been classified as a Variant of Uncertain Significance.

Ambry Genetics
Classification: Uncertain significance for Inborn genetic diseases. Last evaluated: 2020-01-13. Review status: criteria provided, single submitter. Criteria: Ambry Variant Classification Scheme 2023. Collection method: clinical testing. Allele origin: germline.
Comment: The p.R119H variant (also known as c.356G>A), located in coding exon 3 of the NTRK1 gene, results from a G to A substitution at nucleotide position 356. The arginine at codon 119 is replaced by histidine, an amino acid with highly similar properties. This amino acid position is not well conserved in available vertebrate species. In addition, this alteration is predicted to be tolerated by in silico analysis. Since supporting evidence is limited at this time, the clinical significance of this alteration remains unclear.

Natera, Inc.
Classification: Uncertain significance for Hereditary insensitivity to pain with anhidrosis. Last evaluated: 2020-09-16. Review status: no assertion criteria provided. Collection method: clinical testing. Allele origin: germline. Not counted in ClinVar's aggregate classification.

NM_002529.4(NTRK1):c.356G>A (p.Arg119His)

Gene: NTRK1 (neurotrophic receptor tyrosine kinase 1; plus strand). Cytogenetic location: 1q23.1.
Variant type: single nucleotide variant.
Coding change: c.356G>A on transcript NM_002529.4 (MANE Select); coding-DNA position 356, G replaced by A.
Protein change: p.Arg119His; replaces arginine 119 with histidine.
Molecular consequence: missense variant.
Genome position (GRCh38, 1-based): chr1:156,864,796, G>A. VCF-style: chr1-156864796-G-A. GRCh37 (hg19) VCF-style: chr1-156834588-G-A.
Other names: c.266G>A, p.Arg89His (NM_001007792.1); c.356G>A, p.Arg119His (NM_001012331.2); short protein forms R89H, R119H.
Identifiers: ClinVar variation 526723 (VCV000526723.6), dbSNP rs778566154, ClinGen allele CA1168922.